The following is an entry in ClinVar:

ClinVar aggregate classification (germline): Uncertain significance (1 of 4 stars; one submission).

Conditions:
Malignant hyperthermia, susceptibility to, 1 (MHS1). Also called: Anesthesia related hyperthermia; Malignant hyperpyrexia; Fulminating hyperpyrexia; Pharmacogenic myopathy; RYR1-Related Malignant Hyperthermia Susceptibility; Malignant hyperthermia suceptibility 1. Identifiers: Orphanet 423, MedGen C2930980, MONDO:0007783, OMIM 145600.

Submission:

All of Us Research Program, National Institutes of Health
Classification: Uncertain significance for Malignant hyperthermia, susceptibility to, 1. Last evaluated: 2023-09-17. Review status: criteria provided, single submitter. Criteria: ACMG Guidelines, 2015. Collection method: clinical testing. Allele origin: germline. Inheritance: Autosomal dominant inheritance. Observed: 1 variant allele, 1 heterozygote.
Comment: This variant causes a G to A nucleotide substitution at the +4 position of intron 11/105 of the RYR1 gene. To our knowledge, functional studies have not been reported for this variant. This variant has not been reported in individuals affected with RYR1-related disorders in the literature. This variant has not been identified in the general population by the Genome Aggregation Database (gnomAD). The available evidence is insufficient to determine the role of this variant in disease conclusively. Therefore, this variant is classified as a Variant of Uncertain Significance.

This study involves interpretation of variants in research participants for the purpose of population health screening. Participant phenotype was not available at the time of variant classification. Additional details can be found in publication PMID: 35346344, PMCID: PMC8962531

NM_000540.3(RYR1):c.1122+4G>A

Gene: RYR1 (ryanodine receptor 1; plus strand). Cytogenetic location: 19q13.2.
Variant type: single nucleotide variant.
Coding change: c.1122+4G>A on transcript NM_000540.3 (MANE Select); 4 bases into the intron after coding-DNA position 1122, G replaced by A.
Molecular consequence: intron variant.
Genome position (GRCh38, 1-based): chr19:38,448,817, G>A. VCF-style: chr19-38448817-G-A. GRCh37 (hg19) VCF-style: chr19-38939457-G-A.
Other names: c.1122+4G>A (NM_001042723.2).
Identifiers: ClinVar variation 3073495 (VCV003073495.1), dbSNP rs746285676, ClinGen allele CA2814333357.
Genomic context (GRCh38, chr19:38,448,817, plus strand): 5'-CTCACCTATGCTGCTCCAGACCCCAAGGCCCTGCGGCTCGGCGTGCTCAAGAAGAAGGTG[G>A]GTGTAATCCCAGCTACTCAGGAGGCTGAGGTGGGAGAATCGCTTGAGTCCAGGAGGTCAA-3'